The following is an entry in ClinVar:

NM_000059.4(BRCA2):c.9739C>G (p.Gln3247Glu)

Gene: BRCA2 (BRCA2 DNA repair associated; plus strand). Cytogenetic location: 13q13.1.
Variant type: single nucleotide variant.
Coding change: c.9739C>G on transcript NM_000059.4 (MANE Select); coding-DNA position 9739, C replaced by G.
Protein change: p.Gln3247Glu; replaces glutamine 3247 with glutamic acid.
Molecular consequence: missense variant.
Genome position (GRCh38, 1-based): chr13:32,398,252, C>G. VCF-style: chr13-32398252-C-G. GRCh37 (hg19) VCF-style: chr13-32972389-C-G.
Other names: short protein forms Q3247E.
Identifiers: ClinVar variation 854194 (VCV000854194.11), dbSNP rs886040849, ClinGen allele CA387765577.

ClinVar aggregate classification (germline): Uncertain significance. Review status: criteria provided, single submitter (1 of 4 stars). 2 submissions from 2 submitters: Uncertain significance (1). 1 of the submissions does not count toward it. Last evaluated 2019-04-01.

Conditions:
Hereditary breast ovarian cancer syndrome. Also called: Hereditary breast and ovarian cancer syndrome (HBOC); Hereditary breast and/or ovarian cancer syndrome; Breast and ovarian cancer; Hereditary breast and ovarian cancer syndrome; BRCA1- and BRCA2-Associated Hereditary Breast and Ovarian Cancer; Hereditary breast and ovarian cancer. Identifiers: Orphanet 145, MedGen C0677776, MeSH D061325, MONDO:0003582. Disease mechanism: loss of function.
Breast-ovarian cancer, familial, susceptibility to, 2 (BROVCA2). Also called: BRCA2 Hereditary Breast and Ovarian Cancer. Identifiers: Orphanet 145, MedGen C2675520, MONDO:0012933, OMIM 612555. Disease mechanism: loss of function.

Submissions (2):

Labcorp Genetics (formerly Invitae), Labcorp
Classification: Uncertain significance for Hereditary breast ovarian cancer syndrome. Last evaluated: 2019-04-01. Review status: criteria provided, single submitter. Criteria: Invitae Variant Classification Sherloc (09022015). Collection method: clinical testing. Allele origin: germline.
Comment: This sequence change replaces glutamine with glutamic acid at codon 3247 of the BRCA2 protein (p.Gln3247Glu). The glutamine residue is weakly conserved and there is a small physicochemical difference between glutamine and glutamic acid. This variant is not present in population databases (ExAC no frequency). In summary, the available evidence is currently insufficient to determine the role of this variant in disease. Therefore, it has been classified as a Variant of Uncertain Significance. Algorithms developed to predict the effect of missense changes on protein structure and function (SIFT, PolyPhen-2, Align-GVGD) all suggest that this variant is likely to be tolerated, but these predictions have not been confirmed by published functional studies and their clinical significance is uncertain. This variant has not been reported in the literature in individuals with BRCA2-related conditions.

BRCAlab, Lund University
Classification: Uncertain significance for Breast-ovarian cancer, familial, susceptibility to, 2. Last evaluated: 2020-03-02. Review status: no assertion criteria provided. Collection method: clinical testing. Allele origin: germline. Affected: yes. Not counted in ClinVar's aggregate classification.